The following is an entry in ClinVar:

ClinVar aggregate classification (germline): Uncertain significance (1 of 4 stars; one submission).

Conditions:
Neuronal ceroid lipofuscinosis. Also called: Neuronal Ceroid Lipofuscinoses. Identifiers: Orphanet 216, Orphanet 79263, MedGen C0027877, MONDO:0016295. Disease mechanism: loss of function.

Allele frequency attached by ClinVar (database versions not stated): 1000 Genomes Project 30x 0.00031.
gnomAD v4.1: 3 of 1,613,862 alleles (0.00019%); highest among the groups gnomAD compares: African/African-American, 0.0013%; no homozygotes.

Submission:

Labcorp Genetics (formerly Invitae), Labcorp
Classification: Uncertain significance for Neuronal ceroid lipofuscinosis. Last evaluated: 2022-06-05. Review status: criteria provided, single submitter. Criteria: Invitae Variant Classification Sherloc (09022015). Collection method: clinical testing. Allele origin: germline.
Comment: Advanced modeling of protein sequence and biophysical properties (such as structural, functional, and spatial information, amino acid conservation, physicochemical variation, residue mobility, and thermodynamic stability) performed at Invitae indicates that this missense variant is expected to disrupt CLN8 protein function. This sequence change replaces aspartic acid, which is acidic and polar, with valine, which is neutral and non-polar, at codon 17 of the CLN8 protein (p.Asp17Val). This variant is present in population databases (rs148668081, gnomAD 0.007%). This variant has not been reported in the literature in individuals affected with CLN8-related conditions. ClinVar contains an entry for this variant (Variation ID: 1395698). In summary, the available evidence is currently insufficient to determine the role of this variant in disease. Therefore, it has been classified as a Variant of Uncertain Significance.

NM_018941.4(CLN8):c.50A>T (p.Asp17Val)

Gene: CLN8 (CLN8 transmembrane ER and ERGIC protein; plus strand). Cytogenetic location: 8p23.3.
Variant type: single nucleotide variant.
Coding change: c.50A>T on transcript NM_018941.4 (MANE Select); coding-DNA position 50, A replaced by T.
Protein change: p.Asp17Val; replaces aspartic acid 17 with valine.
Molecular consequence: missense variant.
Genome position (GRCh38, 1-based): chr8:1,771,104, A>T. VCF-style: chr8-1771104-A-T. GRCh37 (hg19) VCF-style: chr8-1719270-A-T.
Other names: short protein forms D17V.
Identifiers: ClinVar variation 1395698 (VCV001395698.5), dbSNP rs148668081, ClinGen allele CA4599181.